The following is an entry in ClinVar:

NM_000321.3(RB1):c.1775T>C (p.Leu592Pro)

Gene: RB1 (RB transcriptional corepressor 1; plus strand). Cytogenetic location: 13q14.2.
Variant type: single nucleotide variant.
Coding change: c.1775T>C on transcript NM_000321.3 (MANE Select); coding-DNA position 1775, T replaced by C.
Protein change: p.Leu592Pro; replaces leucine 592 with proline.
Molecular consequence: missense variant.
Genome position (GRCh38, 1-based): chr13:48,453,072, T>C. VCF-style: chr13-48453072-T-C. GRCh37 (hg19) VCF-style: chr13-49027208-T-C.
Other names: c.1775T>C, p.Leu592Pro (NM_001407165.1); short protein forms L592P.
Identifiers: ClinVar variation 1779869 (VCV001779869.2), dbSNP rs2138327254, ClinGen allele CA388165588.
Genomic context (GRCh38, chr13:48,453,072, plus strand): 5'-TTATTAAACAATCAAAGGACCGAGAAGGACCAACTGATCACCTTGAATCTGCTTGTCCTC[T>C]TAATCTTCCTCTCCAGAATAATCACACTGCAGCAGATATGTAAGCAAAATATATGTTATG-3'
Protein context (NP_000312.2, residues 582-602): PTDHLESACP[Leu592Pro]NLPLQNNHTA

ClinVar aggregate classification (germline): Uncertain significance (1 of 4 stars; one submission).

Conditions:
Hereditary cancer-predisposing syndrome. Also called: Neoplastic Syndromes, Hereditary; Tumor predisposition; Hereditary Cancer Syndrome; Hereditary neoplastic syndrome. Identifiers: Orphanet 140162, MedGen C0027672, MeSH D009386, MONDO:0015356.

Submission:

Ambry Genetics
Classification: Uncertain significance for Hereditary cancer-predisposing syndrome. Last evaluated: 2022-08-24. Review status: criteria provided, single submitter. Criteria: Ambry Variant Classification Scheme 2023. Collection method: clinical testing. Allele origin: germline.
Comment: The p.L592P variant (also known as c.1775T>C), located in coding exon 18 of the RB1 gene, results from a T to C substitution at nucleotide position 1775. The leucine at codon 592 is replaced by proline, an amino acid with similar properties. This amino acid position is conserved. In addition, this alteration is predicted to be deleterious by in silico analysis. Since supporting evidence is limited at this time, the clinical significance of this alteration remains unclear.